The following is an entry in ClinVar:

NM_198129.4(LAMA3):c.5724+2T>C

Gene: LAMA3 (laminin subunit alpha 3; plus strand). Cytogenetic location: 18q11.2.
Variant type: single nucleotide variant.
Coding change: c.5724+2T>C on transcript NM_198129.4 (MANE Select); the canonical splice donor site of the intron after coding-DNA position 5724, T replaced by C.
Molecular consequence: splice donor variant.
Genome position (GRCh38, 1-based): chr18:23,898,850, T>C. VCF-style: chr18-23898850-T-C. GRCh37 (hg19) VCF-style: chr18-21478814-T-C.
Other names: c.5724+2T>C (NM_001127717.4); c.897+2T>C (NM_000227.6, NM_001127718.4).
Identifiers: ClinVar variation 2811541 (VCV002811541.3), dbSNP rs2511376274, ClinGen allele CA402046555.

ClinVar aggregate classification (germline): Likely pathogenic (1 of 4 stars; one submission).

Submission:

Labcorp Genetics (formerly Invitae), Labcorp
Classification: Likely pathogenic. Last evaluated: 2022-11-02. Review status: criteria provided, single submitter. Criteria: Invitae Variant Classification Sherloc (09022015). Collection method: clinical testing. Allele origin: germline.
Comment: In summary, the currently available evidence indicates that the variant is pathogenic, but additional data are needed to prove that conclusively. Therefore, this variant has been classified as Likely Pathogenic. This sequence change affects a donor splice site in intron 8 of the LAMA3 gene. It is expected to disrupt RNA splicing. Variants that disrupt the donor or acceptor splice site typically lead to a loss of protein function (PMID: 16199547), and loss-of-function variants in LAMA3 are known to be pathogenic (PMID: 10366601, 11810295, 12915477, 16473856, 17362460, 22434185, 23869449, 27827380, 28087116). This variant is not present in population databases (gnomAD no frequency). This variant has not been reported in the literature in individuals affected with LAMA3-related conditions. Algorithms developed to predict the effect of sequence changes on RNA splicing suggest that this variant may disrupt the consensus splice site.

Literature cited by the submitters: PubMed 16199547; PubMed 10366601; PubMed 11810295; PubMed 12915477; PubMed 16473856; PubMed 17362460; PubMed 22434185; PubMed 23869449; PubMed 27827380; PubMed 28087116.